The following is an entry in ClinVar:

ClinVar aggregate classification (germline): Uncertain significance (1 of 4 stars; one submission).

Submission:

Labcorp Genetics (formerly Invitae), Labcorp
Classification: Uncertain significance. Last evaluated: 2024-10-16. Review status: criteria provided, single submitter. Criteria: Invitae Variant Classification Sherloc (09022015). Collection method: clinical testing. Allele origin: germline.
Comment: This sequence change replaces arginine, which is basic and polar, with cysteine, which is neutral and slightly polar, at codon 202 of the TWNK protein (p.Arg202Cys). This variant is present in population databases (rs761860054, gnomAD 0.003%). This variant has not been reported in the literature in individuals affected with TWNK-related conditions. Invitae Evidence Modeling of protein sequence and biophysical properties (such as structural, functional, and spatial information, amino acid conservation, physicochemical variation, residue mobility, and thermodynamic stability) has been performed for this missense variant. However, the output from this modeling did not meet the statistical confidence thresholds required to predict the impact of this variant on TWNK protein function. In summary, the available evidence is currently insufficient to determine the role of this variant in disease. Therefore, it has been classified as a Variant of Uncertain Significance.

NM_021830.5(TWNK):c.604C>T (p.Arg202Cys)

Gene: TWNK (twinkle mtDNA helicase; plus strand). Cytogenetic location: 10q24.31.
Variant type: single nucleotide variant.
Coding change: c.604C>T on transcript NM_021830.5 (MANE Select); coding-DNA position 604, C replaced by T.
Protein change: p.Arg202Cys; replaces arginine 202 with cysteine.
Molecular consequence: missense variant. On other transcripts: non-coding transcript variant (4), intron variant (3).
Genome position (GRCh38, 1-based): chr10:100,988,814, C>T. VCF-style: chr10-100988814-C-T. GRCh37 (hg19) VCF-style: chr10-102748571-C-T.
Other names: c.604C>T, p.Arg202Cys (NM_001163812.2); c.-119-830C>T (NM_001163814.2, NM_001163813.2); c.-57-892C>T (NM_001368275.1); short protein forms R202C.
Identifiers: ClinVar variation 3001917 (VCV003001917.3), dbSNP rs761860054, ClinGen allele CA5653093.